The following is an entry in ClinVar:

ClinVar aggregate classification (germline): Conflicting classifications of pathogenicity. Review status: criteria provided, conflicting classifications (1 of 4 stars). 2 submissions from 1 submitter: Uncertain significance (1); Likely benign (1). Last evaluated 2018-01-13.

Conditions:
Isolated microphthalmia 5. Also called: Posterior Microphthalmia with Retinitis Pigmentosa, Foveoschisis, and Optic Disc Drusen. Identifiers: Orphanet 251279, MedGen C1970236, MONDO:0012605, OMIM 611040.
Late-onset retinal degeneration (LORD). Also called: RETINAL DEGENERATION, LATE-ONSET, AUTOSOMAL DOMINANT. Identifiers: Orphanet 67042, MedGen C1854065, MONDO:0011579, OMIM 605670. Disease mechanism: loss of function.

Allele frequency attached by ClinVar (database versions not stated): gnomAD 0.00177 and 0.00143; 1000 Genomes Project 30x 0.00453; 1000 Genomes Project 0.00479; gnomAD exomes 0.00154; TOPMed 0.00168.
gnomAD v4.1: 327 of 191,452 alleles (0.17%); highest among the groups gnomAD compares: East Asian, 1.2%; 3 homozygotes.

Submissions (2):

Illumina Laboratory Services, Illumina
Classification: Likely benign for Late-onset retinal degeneration. Last evaluated: 2018-01-13. Review status: criteria provided, single submitter. Criteria: ICSL Variant Classification Criteria 13 December 2019. Collection method: clinical testing. Allele origin: germline.
Comment: This variant was observed in the ICSL laboratory as part of a predisposition screen in an ostensibly healthy population. It had not been previously curated by ICSL or reported in the Human Gene Mutation Database (HGMD: prior to June 1st, 2018), and was therefore a candidate for classification through an automated scoring system. Utilizing variant allele frequency, disease prevalence and penetrance estimates, and inheritance mode, an automated score was calculated to assess if this variant is too frequent to cause the disease. Based on the score and internal cut-off values, a variant classified as likely benign is not then subjected to further curation. The score for this variant resulted in a classification of likely benign for this disease.

Illumina Laboratory Services, Illumina
Classification: Uncertain significance for Isolated microphthalmia 5. Last evaluated: 2018-01-13. Review status: criteria provided, single submitter. Criteria: ICSL Variant Classification Criteria 13 December 2019. Collection method: clinical testing. Allele origin: germline.

NM_031433.4(MFRP):c.*483T>C

Genes: C1QTNF5 (C1q and TNF related 5; minus strand), MFRP (membrane frizzled-related protein; minus strand). Cytogenetic location: 11q23.3.
Variant type: single nucleotide variant.
Coding change: c.*483T>C on transcript NM_031433.4 (MANE Select); 483 bases downstream of the stop codon, T replaced by C.
Molecular consequence: 3 prime UTR variant. On other transcripts: 5 prime UTR variant (1).
Genome position (GRCh38, 1-based): chr11:119,341,065, A>G on the plus strand (T>C on the coding strand, the complement: MFRP is on the minus strand). VCF-style: chr11-119341065-A-G. GRCh37 (hg19) VCF-style: chr11-119211775-A-G.
Other names: c.-414T>C (NM_015645.5).
Identifiers: ClinVar variation 302941 (VCV000302941.8), dbSNP rs147285871, ClinGen allele CA10633774.